The following is an entry in ClinVar:

NM_080680.3(COL11A2):c.265G>A (p.Val89Ile)

Gene: COL11A2 (collagen type XI alpha 2 chain; minus strand). Cytogenetic location: 6p21.32.
Variant type: single nucleotide variant.
Coding change: c.265G>A on transcript NM_080680.3 (MANE Select); coding-DNA position 265, G replaced by A.
Protein change: p.Val89Ile; replaces valine 89 with isoleucine.
Molecular consequence: missense variant. On other transcripts: 5 prime UTR variant (3), non-coding transcript variant (1).
Genome position (GRCh38, 1-based): chr6:33,189,156, C>T on the plus strand (G>A on the coding strand, the complement: COL11A2 is on the minus strand). VCF-style: chr6-33189156-C-T. GRCh37 (hg19) VCF-style: chr6-33156933-C-T.
Other names: c.265G>A, p.Val89Ile (NM_001163771.2, NM_001424108.1, NM_080679.3 and 1 more transcripts); c.-582G>A (NM_001424109.1, NM_001424110.1, NM_001424111.1); short protein forms V89I.
Identifiers: ClinVar variation 3635268 (VCV003635268.2).

ClinVar aggregate classification (germline): Uncertain significance (1 of 4 stars; one submission).

gnomAD v4.1: 1 of 1,613,968 alleles (0.000062%); highest among the groups gnomAD compares: Non-Finnish European, 0.000085%; no homozygotes.

Submission:

Labcorp Genetics (formerly Invitae), Labcorp
Classification: Uncertain significance. Last evaluated: 2025-02-11. Review status: criteria provided, single submitter. Criteria: Invitae Variant Classification Sherloc (09022015). Collection method: clinical testing. Allele origin: germline.
Comment: This sequence change replaces valine, which is neutral and non-polar, with isoleucine, which is neutral and non-polar, at codon 89 of the COL11A2 protein (p.Val89Ile). This variant is not present in population databases (gnomAD no frequency). This variant has not been reported in the literature in individuals affected with COL11A2-related conditions. Invitae Evidence Modeling of protein sequence and biophysical properties (such as structural, functional, and spatial information, amino acid conservation, physicochemical variation, residue mobility, and thermodynamic stability) indicates that this missense variant is not expected to disrupt COL11A2 protein function with a negative predictive value of 95%. In summary, the available evidence is currently insufficient to determine the role of this variant in disease. Therefore, it has been classified as a Variant of Uncertain Significance.